The following is an entry in ClinVar:

NM_018133.4(MSL2):c.334_335del (p.Gln112fs)

Gene: MSL2 (MSL complex subunit 2; minus strand). Cytogenetic location: 3q22.3.
Variant type: Microsatellite.
Coding change: c.334_335del on transcript NM_018133.4 (MANE Select); coding-DNA positions 334 to 335, 2 bases deleted (CA; older notation c.334_335delCA).
Protein change: p.Gln112fs; shifts the reading frame from glutamine 112.
Molecular consequence: frameshift variant.
Genome position (GRCh38, 1-based): chr3:136,152,546-136,152,547, TG deleted on the plus strand (CA on the coding strand, the reverse complement: MSL2 is on the minus strand); deleting any 2 consecutive bases within chr3:136,152,546-136,152,550 gives the same sequence; the c. name uses the placement nearest the transcript's 3' end. VCF-style (leftmost placement, unchanged base first): chr3-136152545-CTG-C. GRCh37 (hg19) VCF-style: chr3-135871387-CTG-C.
Other names: c.112_113del, p.Gln38fs (NM_001145417.2); short protein forms Q112fs, Q38fs.
Identifiers: ClinVar variation 3371365 (VCV003371365.1).

ClinVar aggregate classification (germline): Uncertain significance (1 of 4 stars; one submission).

Submission:

GeneDx
Classification: Uncertain significance. Last evaluated: 2024-03-21. Review status: criteria provided, single submitter. Criteria: GeneDx Variant Classification Process June 2021. Collection method: clinical testing. Allele origin: germline. Affected: yes.
Comment: Frameshift variant predicted to result in protein truncation in a gene or region of a gene for which loss of function is not a well-established mechanism of disease; Not observed at significant frequency in large population cohorts (gnomAD); Has not been previously published as pathogenic or benign to our knowledge; Variants in candidate genes are classified as variants of uncertain significance in accordance with ACMG guidelines (PMID: 25741868)